The following is an entry in ClinVar:

NM_004521.3(KIF5B):c.256C>A (p.Gln86Lys)

Gene: KIF5B (kinesin family member 5B; minus strand). Cytogenetic location: 10p11.22.
Variant type: single nucleotide variant.
Coding change: c.256C>A on transcript NM_004521.3 (MANE Select); coding-DNA position 256, C replaced by A.
Protein change: p.Gln86Lys; replaces glutamine 86 with lysine.
Molecular consequence: missense variant.
Genome position (GRCh38, 1-based): chr10:32,040,416, G>T on the plus strand (C>A on the coding strand, the complement: KIF5B is on the minus strand). VCF-style: chr10-32040416-G-T. GRCh37 (hg19) VCF-style: chr10-32329344-G-T.
Other names: short protein forms Q86K.
Identifiers: ClinVar variation 3360453 (VCV003360453.1).
Genomic context (GRCh38, chr10:32,040,416, plus strand): 5'-CATCTAAGTACAGATTATAAAACGTTACCTCCATTGTGTGTGTCTTCCCAGAGGATGTTT[G>T]TCCATATGCAAATATTGTTCCATTATATCCTTCAAGTACATCTATGAGAAAAGATTTTAT-3'
Protein context (NP_004512.1, residues 76-96): GYNGTIFAYG[Gln86Lys]TSSGKTHTME

ClinVar aggregate classification (germline): Uncertain significance (1 of 4 stars; one submission).

Submission:

GeneDx
Classification: Uncertain significance. Last evaluated: 2023-07-02. Review status: criteria provided, single submitter. Criteria: GeneDx Variant Classification Process June 2021. Collection method: clinical testing. Allele origin: germline. Affected: yes.
Comment: Not observed at significant frequency in large population cohorts (gnomAD); In silico analysis supports that this missense variant has a deleterious effect on protein structure/function; Has not been previously published as pathogenic or benign to our knowledge; Variants in candidate genes are classified as variants of uncertain significance in accordance with ACMG guidelines (Richards et al., 2015)